The following is an entry in ClinVar:

ClinVar aggregate classification (germline): Pathogenic (1 of 4 stars; one submission).

Conditions:
Hereditary cancer-predisposing syndrome. Also called: Hereditary Cancer Syndrome; Neoplastic Syndromes, Hereditary; Tumor predisposition; Hereditary neoplastic syndrome. Identifiers: Orphanet 140162, MedGen C0027672, MeSH D009386, MONDO:0015356.

Submission:

Ambry Genetics
Classification: Pathogenic for Hereditary cancer-predisposing syndrome. Last evaluated: 2026-08-17. Review status: criteria provided, single submitter. Criteria: Ambry Variant Classification Scheme 2023. Collection method: clinical testing. Allele origin: germline.
Comment: The c.56dupC pathogenic mutation, located in coding exon 1 of the DICER1 gene, results from a duplication of C at nucleotide position 56, causing a translational frameshift with a predicted alternate stop codon (p.A20Cfs*20). This variant is considered to be rare based on population cohorts in the Genome Aggregation Database (gnomAD). This variant is expected to result in loss of function by premature protein truncation or nonsense-mediated mRNA decay. As such, this variant is interpreted as a disease-causing mutation.

NM_177438.3(DICER1):c.56dup (p.Ala20fs)

Gene: DICER1 (dicer 1, ribonuclease III; minus strand). Cytogenetic location: 14q32.13.
Variant type: Duplication.
Coding change: c.56dup on transcript NM_177438.3 (MANE Select); coding-DNA position 56, one base duplicated (C; older notation c.56dupC).
Protein change: p.Ala20fs; shifts the reading frame from alanine 20.
Molecular consequence: frameshift variant. On other transcripts: 5 prime UTR variant (8), non-coding transcript variant (6), intron variant (1).
Genome position (GRCh38, 1-based): chr14:95,133,403, G duplicated on the plus strand (C on the coding strand, the reverse complement: DICER1 is on the minus strand); the first of 4 consecutive G bases (chr14:95,133,403-95,133,406); duplicating any one gives the same sequence. VCF-style (leftmost placement, unchanged base first): chr14-95133402-A-AG. GRCh37 (hg19) VCF-style: chr14-95599739-A-AG.
Other names: c.-219dup (NM_001395698.1, NM_001395686.1, NM_001395688.1 and 3 more transcripts); c.56dup, p.Ala20fs (NM_001395699.1, NM_001395700.1, NM_030621.4 and 14 more transcripts); c.-130-726dup (NM_001395687.1); c.56dupC (NM_177438.2); c.-403dup (NM_001395691.1); c.-1513dup (NM_001395697.1); short protein forms A20fs.
Identifiers: ClinVar variation 5035308 (VCV005035308.1).